The following is an entry in ClinVar:

ClinVar aggregate classification (germline): Likely pathogenic (1 of 4 stars; one submission).

Conditions:
Lysinuric protein intolerance (LPI). Identifiers: Orphanet 470, MedGen C0268647, MONDO:0009109, OMIM 222700.

Submission:

Natera, Inc.
Classification: Likely pathogenic for Lysinuric protein intolerance. Last evaluated: 2025-04-23. Review status: criteria provided, single submitter. Criteria: Natera Variant Classification Schema (03/2026). Collection method: clinical testing. Allele origin: germline.
Comment: The c.420del variant in SLC7A7 is a frameshift variant predicted to shift the reading frame beginning at codon 141 and leads to a stop codon 29 codons downstream. This variant is expected to result in nonsense mediated decay, truncation, or a dysfunctional protein product. This variant is rare in the general population with a frequency below the threshold expected for the associated phenotype(s). Given the available evidence, this variant is classified as Likely Pathogenic.

NM_003982.4(SLC7A7):c.420del (p.Asn141fs)

Gene: SLC7A7 (solute carrier family 7 member 7; minus strand). Cytogenetic location: 14q11.2.
Variant type: Deletion.
Coding change: c.420del on transcript NM_003982.4 (MANE Select); coding-DNA position 420, one base deleted (C; older notation c.420delC).
Protein change: p.Asn141fs; shifts the reading frame from asparagine 141.
Molecular consequence: frameshift variant.
Genome position (GRCh38, 1-based): chr14:22,812,979, G deleted on the plus strand (C on the coding strand, the reverse complement: SLC7A7 is on the minus strand); the first of 2 consecutive G bases (chr14:22,812,979-22,812,980); deleting either gives the same sequence. VCF-style (leftmost placement, unchanged base first): chr14-22812978-TG-T. GRCh37 (hg19) VCF-style: chr14-23282187-TG-T.
Other names: c.420del, p.Asn141fs (NM_001126105.3, NM_001126106.4); c.419delC, p.Asn141Thrfs (NM_001126106.2); short protein forms N141fs.
Identifiers: ClinVar variation 4061895 (VCV004061895.2).